The following is an entry in ClinVar:

NM_001081.4(CUBN):c.670C>T (p.Arg224Cys)

Genes: CUBN (cubilin; minus strand), LOC126860871 (MED14-independent group 3 enhancer GRCh37_chr10:17157167-17158366; plus strand). Cytogenetic location: 10p13.
Variant type: single nucleotide variant.
Coding change: c.670C>T on transcript NM_001081.4 (MANE Select); coding-DNA position 670, C replaced by T.
Protein change: p.Arg224Cys; replaces arginine 224 with cysteine.
Molecular consequence: missense variant.
Genome position (GRCh38, 1-based): chr10:17,115,521, G>A on the plus strand (C>T on the coding strand, the complement: CUBN is on the minus strand). VCF-style: chr10-17115521-G-A. GRCh37 (hg19) VCF-style: chr10-17157520-G-A.
Other names: short protein forms R224C.
Identifiers: ClinVar variation 3594099 (VCV003594099.3).

ClinVar aggregate classification (germline): Uncertain significance. Review status: criteria provided, multiple submitters, no conflicts (2 of 4 stars). 2 submissions from 2 submitters: Uncertain significance (2). Last evaluated 2025-01-21.

Conditions:
Imerslund-Grasbeck syndrome type 1 (IGS1). Also called: MEGALOBLASTIC ANEMIA, 1; Megaloblastic anemia 1, Finnish type; Imerslund-Gräsbeck syndrome 1. Identifiers: MedGen C4016819, MONDO:0100156, OMIM 261100.
Proteinuria, chronic benign. Identifiers: MedGen C5394384, MONDO:0030042, OMIM 618884.
Imerslund-Grasbeck syndrome. Also called: ENTEROCYTE COBALAMIN MALABSORPTION; ENTEROCYTE INTRINSIC FACTOR RECEPTOR, DEFECT OF; PERNICIOUS ANEMIA, JUVENILE, DUE TO SELECTIVE INTESTINAL MALABSORPTION OF VITAMIN B12, WITH PROTEINURIA; Megaloblastic anemia due to inborn errors of metabolism; Imerslund-Gräsbeck syndrome. Identifiers: Orphanet 35858, MedGen C4551825, MONDO:0009853.

Submissions (2):

Labcorp Genetics (formerly Invitae), Labcorp
Classification: Uncertain significance for Imerslund-Grasbeck syndrome. Last evaluated: 2025-01-21. Review status: criteria provided, single submitter. Criteria: Invitae Variant Classification Sherloc (09022015). Collection method: clinical testing. Allele origin: germline.
Comment: This sequence change replaces arginine, which is basic and polar, with cysteine, which is neutral and slightly polar, at codon 224 of the CUBN protein (p.Arg224Cys). This variant is present in population databases (rs143120669, gnomAD 0.005%). This variant has not been reported in the literature in individuals affected with CUBN-related conditions. Invitae Evidence Modeling of protein sequence and biophysical properties (such as structural, functional, and spatial information, amino acid conservation, physicochemical variation, residue mobility, and thermodynamic stability) indicates that this missense variant is not expected to disrupt CUBN protein function with a negative predictive value of 80%. In summary, the available evidence is currently insufficient to determine the role of this variant in disease. Therefore, it has been classified as a Variant of Uncertain Significance.

Fulgent Genetics
Classification: Uncertain significance for Imerslund-Grasbeck syndrome type 1; Proteinuria, chronic benign. Last evaluated: 2024-03-18. Review status: criteria provided, single submitter. Criteria: ACMG Guidelines, 2015. Collection method: clinical testing. Allele origin: germline.